The following is an entry in ClinVar:

ClinVar aggregate classification (germline): Uncertain significance (1 of 4 stars; one submission).

gnomAD v4.1: 17 of 1,267,096 alleles (0.0013%); highest among the groups gnomAD compares: Non-Finnish European, 0.0016%; no homozygotes.

Submission:

Labcorp Genetics (formerly Invitae), Labcorp
Classification: Uncertain significance. Last evaluated: 2024-09-06. Review status: criteria provided, single submitter. Criteria: Invitae Variant Classification Sherloc (09022015). Collection method: clinical testing. Allele origin: germline.
Comment: This sequence change replaces proline, which is neutral and non-polar, with leucine, which is neutral and non-polar, at codon 53 of the GATA5 protein (p.Pro53Leu). This variant is present in population databases (no rsID available, gnomAD 0.01%). This variant has not been reported in the literature in individuals affected with GATA5-related conditions. Invitae Evidence Modeling of protein sequence and biophysical properties (such as structural, functional, and spatial information, amino acid conservation, physicochemical variation, residue mobility, and thermodynamic stability) indicates that this missense variant is not expected to disrupt GATA5 protein function with a negative predictive value of 80%. In summary, the available evidence is currently insufficient to determine the role of this variant in disease. Therefore, it has been classified as a Variant of Uncertain Significance.

NM_080473.5(GATA5):c.158C>T (p.Pro53Leu)

Gene: GATA5 (GATA binding protein 5; minus strand). Cytogenetic location: 20q13.33.
Variant type: single nucleotide variant.
Coding change: c.158C>T on transcript NM_080473.5 (MANE Select); coding-DNA position 158, C replaced by T.
Protein change: p.Pro53Leu; replaces proline 53 with leucine.
Molecular consequence: missense variant.
Genome position (GRCh38, 1-based): chr20:62,475,364, G>A on the plus strand (C>T on the coding strand, the complement: GATA5 is on the minus strand). VCF-style: chr20-62475364-G-A. GRCh37 (hg19) VCF-style: chr20-61050420-G-A.
Other names: short protein forms P53L.
Identifiers: ClinVar variation 3670539 (VCV003670539.2).
Genomic context (GRCh38, chr20:62,475,364, plus strand): 5'-GACGAATCCGCGGTGGCTGTCTGCGCCCAGCCGGGGCGCGCAGCGAGCTCGGGGGGCTGC[G>A]GGCTCGGCTCACACCCGGACAGGTAGGACAGCATCGAGGGGACGCGCGCCGGCGGCACAA-3'
Protein context (NP_536721.1, residues 43-63): LSYLSGCEPS[Pro53Leu]QPPELAARPG